The following is an entry in ClinVar:

NM_024490.4(ATP10A):c.2056G>A (p.Glu686Lys)

Gene: ATP10A (ATPase phospholipid transporting 10A (putative); minus strand). Cytogenetic location: 15q12.
Variant type: single nucleotide variant.
Coding change: c.2056G>A on transcript NM_024490.4 (MANE Select); coding-DNA position 2056, G replaced by A.
Protein change: p.Glu686Lys; replaces glutamic acid 686 with lysine.
Molecular consequence: missense variant.
Genome position (GRCh38, 1-based): chr15:25,713,962, C>T on the plus strand (G>A on the coding strand, the complement: ATP10A is on the minus strand). VCF-style: chr15-25713962-C-T. GRCh37 (hg19) VCF-style: chr15-25959109-C-T.
Other names: short protein forms E686K.
Identifiers: ClinVar variation 715051 (VCV000715051.7), dbSNP rs116456040, ClinGen allele CA7436606.

ClinVar aggregate classification (germline): Likely benign. Review status: criteria provided, multiple submitters, no conflicts (2 of 4 stars). 3 submissions from 3 submitters: Likely benign (2). 1 of the submissions does not count toward it. Last evaluated 2019-12-31.

Conditions:
ATP10A-related disorder. Also called: ATP10A-related condition.

Allele frequency attached by ClinVar (database versions not stated): gnomAD exomes 0.00024 and 0.00066; ExAC 0.00078; ESP Exome Variant Server 0.00208; gnomAD 0.00239 and 0.00245; TOPMed 0.00244; 1000 Genomes Project 0.00559; 1000 Genomes Project 30x 0.00609.
gnomAD v4.1: 737 of 1,610,328 alleles (0.046%); highest among the groups gnomAD compares: African/African-American, 0.79%; 2 homozygotes.

Submissions (3):

Labcorp Genetics (formerly Invitae), Labcorp
Classification: Likely benign. Last evaluated: 2019-12-31. Review status: criteria provided, single submitter. Criteria: Invitae Variant Classification Sherloc (09022015). Collection method: clinical testing. Allele origin: germline.

Breakthrough Genomics
Classification: Likely benign. Review status: criteria provided, single submitter. Criteria: ACMG Guidelines, 2015. Collection method: not provided. Allele origin: germline. Inheritance: Unknown mechanism. Affected: yes.

PreventionGenetics, part of Exact Sciences
Classification: Benign for ATP10A-related condition. Last evaluated: 2019-08-29. Review status: no assertion criteria provided. Collection method: clinical testing. Allele origin: germline. Not counted in ClinVar's aggregate classification.
Comment: This variant is classified as benign based on ACMG/AMP sequence variant interpretation guidelines (Richards et al. 2015 PMID: 25741868, with internal and published modifications).